The following is an entry in ClinVar:

ClinVar aggregate classification (germline): Pathogenic (1 of 4 stars; one submission).

Submission:

Labcorp Genetics (formerly Invitae), Labcorp
Classification: Pathogenic. Last evaluated: 2023-10-06. Review status: criteria provided, single submitter. Criteria: Invitae Variant Classification Sherloc (09022015). Collection method: clinical testing. Allele origin: germline.
Comment: This sequence change creates a premature translational stop signal (p.Trp1037*) in the TG gene. It is expected to result in an absent or disrupted protein product. Loss-of-function variants in TG are known to be pathogenic (PMID: 19837936, 23164529). This variant is not present in population databases (gnomAD no frequency). This variant has not been reported in the literature in individuals affected with TG-related conditions. For these reasons, this variant has been classified as Pathogenic.

Literature cited by the submitters: PubMed 19837936; PubMed 23164529.

NM_003235.5(TG):c.3111G>A (p.Trp1037Ter)

Gene: TG (thyroglobulin; plus strand). Cytogenetic location: 8q24.22.
Variant type: single nucleotide variant.
Coding change: c.3111G>A on transcript NM_003235.5 (MANE Select); coding-DNA position 3111, G replaced by A.
Protein change: p.Trp1037Ter; replaces tryptophan 1037 with a stop codon.
Molecular consequence: nonsense.
Genome position (GRCh38, 1-based): chr8:132,897,758, G>A. VCF-style: chr8-132897758-G-A. GRCh37 (hg19) VCF-style: chr8-133910003-G-A.
Other names: short protein forms W1037*.
Identifiers: ClinVar variation 2766486 (VCV002766486.3), dbSNP rs2490009707, ClinGen allele CA372240358.